The following is an entry in ClinVar:

ClinVar aggregate classification (germline): Uncertain significance (1 of 4 stars; one submission).

Conditions:
Brugada syndrome. Also called: Sudden unexpected nocturnal death syndrome; Sudden Unexplained Death Syndrome; Sudden Unexplained Nocturnal Death Syndrome (SUNDS); Sudden unexplained nocturnal death syndrome. Identifiers: Orphanet 130, MedGen C1142166, MONDO:0015263.

gnomAD v4.1: 5 of 1,594,854 alleles (0.00031%); highest among the groups gnomAD compares: African/African-American, 0.0041%; no homozygotes.

Submission:

Labcorp Genetics (formerly Invitae), Labcorp
Classification: Uncertain significance for Brugada syndrome. Last evaluated: 2024-04-18. Review status: criteria provided, single submitter. Criteria: Invitae Variant Classification Sherloc (09022015). Collection method: clinical testing. Allele origin: germline.
Comment: This sequence change replaces arginine, which is basic and polar, with glutamine, which is neutral and polar, at codon 87 of the SLMAP protein (p.Arg87Gln). This variant is present in population databases (no rsID available, gnomAD 0.002%). This variant has not been reported in the literature in individuals affected with SLMAP-related conditions. An algorithm developed to predict the effect of missense changes on protein structure and function (PolyPhen-2) suggests that this variant is likely to be disruptive. In summary, the available evidence is currently insufficient to determine the role of this variant in disease. Therefore, it has been classified as a Variant of Uncertain Significance.

NM_001377540.1(SLMAP):c.260G>A (p.Arg87Gln)

Gene: SLMAP (sarcolemma associated protein; plus strand). Cytogenetic location: 3p14.3.
Variant type: single nucleotide variant.
Coding change: c.260G>A on transcript NM_001377540.1 (MANE Select); coding-DNA position 260, G replaced by A.
Protein change: p.Arg87Gln; replaces arginine 87 with glutamine.
Molecular consequence: missense variant. On other transcripts: non-coding transcript variant (1).
Genome position (GRCh38, 1-based): chr3:57,831,444, G>A. VCF-style: chr3-57831444-G-A. GRCh37 (hg19) VCF-style: chr3-57817171-G-A.
Other names: c.260G>A, p.Arg87Gln (NM_001304420.3, NM_001304421.2, NM_001377538.1 and 17 more transcripts); short protein forms R87Q.
Identifiers: ClinVar variation 3637760 (VCV003637760.2).